The following is an entry in ClinVar:

NM_032217.5(ANKRD17):c.291CGGTGGAGGCGG[1] (p.Gly107_Gly110del)

Gene: ANKRD17 (ankyrin repeat domain 17; minus strand). Cytogenetic location: 4q13.3.
Variant type: Microsatellite.
Coding change: c.291CGGTGGAGGCGG[1] on transcript NM_032217.5 (MANE Select); one copy of the 12-base unit CGGTGGAGGCGG starting at c.291; the reference has two copies in a row; one copy, 12 bases deleted.
Protein change: p.Gly107_Gly110del.
Genome position (GRCh38, 1-based): chr4:73,258,355-73,258,366, CCGCCTCCACCG deleted on the plus strand (CGGTGGAGGCGG on the coding strand, the reverse complement: ANKRD17 is on the minus strand); deleting any 12 consecutive bases within chr4:73,258,355-73,258,383 gives the same sequence; the position shown is the placement nearest the transcript's 3' end. VCF-style (leftmost placement, unchanged base first): chr4-73258354-TCCGCCTCCACCG-T. GRCh37 (hg19) VCF-style: chr4-74124071-TCCGCCTCCACCG-T.
Other names: c.291CGGTGGAGGCGG[1], p.Gly107_Gly110del (NM_015574.2, NM_198889.3).
Identifiers: ClinVar variation 3039467 (VCV003039467.2), dbSNP rs762636363, ClinGen allele CA2959187.
Genomic context (GRCh38, chr4:73,258,354, plus strand): 5'-CTCGTCGTCGTCGTCCTCTTCTTCCTCGCTGTTGTTACTGCTGGTGCCGCCGCCGCCACC[TCCGCCTCCACCG>T]CCGCCTCCACCGCCGCCGCTGTTGTCGCTGTCGCTGCTGCTTTCGCTGCTGCTGGGGGGT-3'

ClinVar aggregate classification (germline): Benign (0 of 4 stars; one submission).

Conditions:
ANKRD17-related disorder. Also called: ANKRD17-related condition.

Submission:

PreventionGenetics, part of Exact Sciences
Classification: Benign for ANKRD17-related condition. Last evaluated: 2021-11-04. Review status: no assertion criteria provided. Collection method: clinical testing. Allele origin: germline.
Comment: This variant is classified as benign based on ACMG/AMP sequence variant interpretation guidelines (Richards et al. 2015 PMID: 25741868, with internal and published modifications).